The following is an entry in ClinVar:

NM_001267550.2(TTN):c.46369G>A (p.Glu15457Lys)

Genes: TTN (titin; minus strand), TTN-AS1 (TTN antisense RNA 1; plus strand). Cytogenetic location: 2q31.2.
Variant type: single nucleotide variant.
Coding change: c.46369G>A on transcript NM_001267550.2 (MANE Select); coding-DNA position 46369, G replaced by A.
Protein change: p.Glu15457Lys; replaces glutamic acid 15457 with lysine.
Molecular consequence: missense variant. On other transcripts: non-coding transcript variant (1).
Genome position (GRCh38, 1-based): chr2:178,620,048, C>T on the plus strand (G>A on the coding strand, the complement: TTN is on the minus strand). VCF-style: chr2-178620048-C-T. GRCh37 (hg19) VCF-style: chr2-179484775-C-T.
Other names: p.E13816K:GAG>AAG; p.Glu13816Lys; c.19174G>A, p.Glu6392Lys (NM_003319.4); c.19549G>A, p.Glu6517Lys (NM_133432.3); c.19750G>A, p.Glu6584Lys (NM_133437.4); c.41446G>A, p.Glu13816Lys (NM_001256850.1); c.38665G>A, p.Glu12889Lys (NM_133378.4); short protein forms E13816K, E15457K, E12889K, E6517K, E6392K, E6584K.
Identifiers: ClinVar variation 202651 (VCV000202651.13), dbSNP rs753664074, ClinGen allele CA309875.

ClinVar aggregate classification (germline): Conflicting classifications of pathogenicity. Review status: criteria provided, conflicting classifications (1 of 4 stars). 8 submissions from 8 submitters: Uncertain significance (6); Likely benign (2). Last evaluated 2025-11-17.

Conditions:
TTN-related disorder. Also called: TTN-related condition; TTN-related disease; TTN-related disorders.
Dilated cardiomyopathy 1G (CMD1G). Identifiers: Orphanet 154, MedGen C1858763, MONDO:0011400, OMIM 604145.
Autosomal recessive limb-girdle muscular dystrophy type 2J (LGMDR10). Also called: Limb-girdle muscular dystrophy, type 2J; MUSCULAR DYSTROPHY, LIMB-GIRDLE, AUTOSOMAL RECESSIVE 10. Identifiers: Orphanet 140922, MedGen C1837342, MONDO:0012127, OMIM 608807.
Early-onset myopathy with fatal cardiomyopathy (CMYO5). Also called: Salih Myopathy; CONGENITAL MYOPATHY 5 WITH CARDIOMYOPATHY. Identifiers: Orphanet 289377, MedGen C2673677, MONDO:0012714, OMIM 611705. Disease mechanism: loss of function.
Tibial muscular dystrophy (TMD). Also called: Tibial muscular dystrophy, tardive; Udd Distal Myopathy – Tibial Muscular Dystrophy; UDD MYOPATHY. Identifiers: Orphanet 609, MedGen C1838244, MONDO:0010870, OMIM 600334.
Myopathy, myofibrillar, 9, with early respiratory failure (MFM9). Also called: Myopathy, distal, with early respiratory failure, autosomal dominant; MYOPATHY, PROXIMAL, WITH EARLY RESPIRATORY MUSCLE INVOLVEMENT; Hereditary myopathy with early respiratory failure; EDSTROM MYOPATHY. Identifiers: Orphanet 178464, Orphanet 34521, MedGen C1863599, MONDO:0011362, OMIM 603689.
Hypertrophic cardiomyopathy 9. Also called: Familial hypertrophic cardiomyopathy 9. Identifiers: MedGen C1861065, MONDO:0013412, OMIM 613765.

Allele frequency attached by ClinVar (database versions not stated): gnomAD 0.00001; gnomAD exomes 0.00001 and 0.00004; TOPMed 0.00001; ExAC 0.00004.
gnomAD v4.1: 20 of 1,611,902 alleles (0.0012%); highest among the groups gnomAD compares: Admixed American, 0.018%; no homozygotes.

Submissions (8):

PreventionGenetics, part of Exact Sciences
Classification: Uncertain significance for TTN-related condition. Last evaluated: 2025-11-17. Review status: criteria provided, single submitter. Criteria: ACMG Guidelines, 2015. Collection method: clinical testing. Allele origin: germline.
Comment: The TTN c.46369G>A variant is predicted to result in the amino acid substitution p.Glu15457Lys. To our knowledge, this variant has not been reported in the literature. This variant is reported in 0.026% of alleles in individuals of Latino descent in gnomAD. At this time, the clinical significance of this variant is uncertain due to the absence of conclusive functional and genetic evidence.

Mayo Clinic Laboratories, Mayo Clinic
Classification: Uncertain significance. Last evaluated: 2025-06-05. Review status: criteria provided, single submitter. Criteria: ACMG Guidelines, 2015. Collection method: clinical testing. Allele origin: germline. Observed: 1 variant allele.

Molecular Diagnostic Laboratory for Inherited Cardiovascular Disease, Montreal Heart Institute
Classification: Likely benign. Last evaluated: 2025-04-09. Review status: criteria provided, single submitter. Criteria: ACMG Guidelines, 2015. Collection method: clinical testing. Allele origin: germline. Affected: no.
Comment: BP1

Blueprint Genetics
Classification: Likely benign. Last evaluated: 2023-04-25. Review status: criteria provided, single submitter. Criteria: ACMG Guidelines, 2015. Collection method: clinical testing. Allele origin: germline.

Fulgent Genetics
Classification: Uncertain significance for Tibial muscular dystrophy; Myopathy, myofibrillar, 9, with early respiratory failure; Dilated cardiomyopathy 1G; Autosomal recessive limb-girdle muscular dystrophy type 2J; Early-onset myopathy with fatal cardiomyopathy; Hypertrophic cardiomyopathy 9. Last evaluated: 2021-07-23. Review status: criteria provided, single submitter. Criteria: ACMG Guidelines, 2015. Collection method: clinical testing. Allele origin: unknown.

Laboratory for Molecular Medicine, Mass General Brigham Personalized Medicine
Classification: Uncertain significance. Last evaluated: 2017-06-02. Review status: criteria provided, single submitter. Criteria: LMM Criteria. Collection method: clinical testing. Allele origin: germline. Observed: 2 variant alleles.
Comment: It has been identified in 9/334 18 Latino chromosomes by the Genome Aggregation Database (gnomAD.; dbSNP rs753664074). Computational prediction tools and cons ervation analysis suggest that this variant may impact the protein, though this information is not predictive enough to determine pathogenicity. In summary, the clinical significance of the p.Glu12889Lys variant is uncertain.

Labcorp Genetics (formerly Invitae), Labcorp
Classification: Uncertain significance for Dilated cardiomyopathy 1G; Autosomal recessive limb-girdle muscular dystrophy type 2J. Last evaluated: 2017-02-22. Review status: criteria provided, single submitter. Criteria: Invitae Variant Classification Sherloc (09022015). Collection method: clinical testing. Allele origin: germline.

GeneDx
Classification: Uncertain significance. Last evaluated: 2014-04-16. Review status: criteria provided, single submitter. Criteria: GeneDx Variant Classification (06012015). Collection method: clinical testing. Allele origin: germline. Affected: yes.
Comment: Missense variants in the TTN gene are considered 'unclassified' if they are not previously reported in the literature and do not have >1% frequency in the population to be considered a polymorphism. Research indicates that truncating mutations in the TTN gene are expected to account for approximately 25% of familial and 18% of sporadic idiopathic DCM; however, truncating variants in the TTN gene have been reported in approximately 3% of reported control alleles. There has been little investigation into non-truncating variants. (Herman D et al. Truncations of titin causing dilated cardiomyopathy. N Eng J Med 366:619-628, 2012) The variant is found in DCM-CRDM panel(s).